The following is an entry in ClinVar:

ClinVar aggregate classification (germline): Uncertain significance (1 of 4 stars; one submission).

Conditions:
Charcot-Marie-Tooth disease axonal type 2F (CMT2F). Also called: CHARCOT-MARIE-TOOTH DISEASE, NEURONAL, TYPE 2F; Charcot-Marie-Tooth Neuropathy Type 2F. Identifiers: Orphanet 99940, MedGen C1847823, MONDO:0011687, OMIM 606595.

gnomAD v4.1: 3 of 1,613,818 alleles (0.00019%); highest among the groups gnomAD compares: Non-Finnish European, 0.00025%; no homozygotes.

Submission:

Labcorp Genetics (formerly Invitae), Labcorp
Classification: Uncertain significance for Charcot-Marie-Tooth disease axonal type 2F. Last evaluated: 2020-07-15. Review status: criteria provided, single submitter. Criteria: Invitae Variant Classification Sherloc (09022015). Collection method: clinical testing. Allele origin: germline.
Comment: In summary, the available evidence is currently insufficient to determine the role of this variant in disease. Therefore, it has been classified as a Variant of Uncertain Significance. Algorithms developed to predict the effect of missense changes on protein structure and function are either unavailable or do not agree on the potential impact of this missense change (SIFT: "Tolerated"; PolyPhen-2: "Possibly Damaging"; Align-GVGD: "Class C0"). This variant has not been reported in the literature in individuals with HSPB1-related conditions. This variant is not present in population databases (ExAC no frequency). This sequence change replaces proline with arginine at codon 146 of the HSPB1 protein (p.Pro146Arg). The proline residue is highly conserved and there is a moderate physicochemical difference between proline and arginine.

NM_001540.5(HSPB1):c.437C>G (p.Pro146Arg)

Gene: HSPB1 (heat shock protein family B (small) member 1; plus strand). Cytogenetic location: 7q11.23.
Variant type: single nucleotide variant.
Coding change: c.437C>G on transcript NM_001540.5 (MANE Select); coding-DNA position 437, C replaced by G.
Protein change: p.Pro146Arg; replaces proline 146 with arginine.
Molecular consequence: missense variant.
Genome position (GRCh38, 1-based): chr7:76,303,992, C>G. VCF-style: chr7-76303992-C-G. GRCh37 (hg19) VCF-style: chr7-75933309-C-G.
Other names: short protein forms P146R.
Identifiers: ClinVar variation 1040353 (VCV001040353.9), dbSNP rs780691682, ClinGen allele CA367765721.